The following is an entry in ClinVar:

ClinVar aggregate classification (germline): Pathogenic. Review status: criteria provided, single submitter (1 of 4 stars). 3 submissions from 3 submitters: Pathogenic (1). 2 of the submissions do not count toward it. Last evaluated 2022-11-29.

Conditions:
Pulmonary arterial hypertension. Identifiers: Orphanet 182090, MedGen C2973725, MeSH D000081029, MONDO:0015924, HP:0002092.
Primary pulmonary hypertension. Also called: Idiopathic pulmonary hypertension. Identifiers: MedGen C0152171.
Pulmonary hypertension, primary, 1 (PPH1). Also called: Pulmonary hypertension, familial primary, 1, with or without HHT. Identifiers: Orphanet 422, MedGen C4552070, MONDO:0024533, OMIM 178600.

Submissions (3):

Labcorp Genetics (formerly Invitae), Labcorp
Classification: Pathogenic for Primary pulmonary hypertension. Last evaluated: 2022-11-29. Review status: criteria provided, single submitter. Criteria: Invitae Variant Classification Sherloc (09022015). Collection method: clinical testing. Allele origin: germline.
Comment: Advanced modeling of protein sequence and biophysical properties (such as structural, functional, and spatial information, amino acid conservation, physicochemical variation, residue mobility, and thermodynamic stability) performed at Invitae indicates that this missense variant is expected to disrupt BMPR2 protein function. This variant disrupts the p.Cys347 amino acid residue in BMPR2. Other variant(s) that disrupt this residue have been determined to be pathogenic (PMID: 12045205, 16429395, 26645265). This suggests that this residue is clinically significant, and that variants that disrupt this residue are likely to be disease-causing. For these reasons, this variant has been classified as Pathogenic. This sequence change replaces cysteine, which is neutral and slightly polar, with arginine, which is basic and polar, at codon 347 of the BMPR2 protein (p.Cys347Arg). This variant is not present in population databases (gnomAD no frequency). This missense change has been observed in individuals with pulmonary arterial hypertension (PMID: 16429395, 32581362). ClinVar contains an entry for this variant (Variation ID: 425865).

NIHR Bioresource Rare Diseases, University of Cambridge
Classification: Pathogenic for Pulmonary arterial hypertension. Review status: no assertion criteria provided. Collection method: research. Allele origin: unknown. Affected: yes. Observed: 1 variant allele. Not counted in ClinVar's aggregate classification.

Rare Disease Genomics Group, St George's University of London
Classification: Pathogenic for Primary pulmonary hypertension. Review status: no assertion criteria provided. Collection method: literature only. Allele origin: germline. Affected: yes. Not counted in ClinVar's aggregate classification.

Literature cited by the submitters: PubMed 12045205 (cited by Labcorp Genetics (formerly Invitae), Labcorp); PubMed 16429395 (cited by Labcorp Genetics (formerly Invitae), Labcorp and Rare Disease Genomics Group, St George's University of London); PubMed 26645265 (cited by Labcorp Genetics (formerly Invitae), Labcorp); PubMed 32581362 (cited by Labcorp Genetics (formerly Invitae), Labcorp and NIHR Bioresource Rare Diseases, University of Cambridge).

NM_001204.7(BMPR2):c.1039T>C (p.Cys347Arg)

Gene: BMPR2 (bone morphogenetic protein receptor type 2; plus strand). Cytogenetic location: 2q33.2.
Variant type: single nucleotide variant.
Coding change: c.1039T>C on transcript NM_001204.7 (MANE Select); coding-DNA position 1039, T replaced by C.
Protein change: p.Cys347Arg; replaces cysteine 347 with arginine.
Molecular consequence: missense variant.
Genome position (GRCh38, 1-based): chr2:202,530,865, T>C. VCF-style: chr2-202530865-T-C. GRCh37 (hg19) VCF-style: chr2-203395588-T-C.
Other names: c.1039T>C (LRG_712t1); short protein forms C347R.
Identifiers: ClinVar variation 425865 (VCV000425865.10), dbSNP rs1085307290, ClinGen allele CA350341421.